The following is an entry in ClinVar:

ClinVar aggregate classification (germline): Uncertain significance (1 of 4 stars; one submission).

gnomAD v4.1: 5 of 1,614,090 alleles (0.00031%); highest among the groups gnomAD compares: East Asian, 0.0045%; no homozygotes.

Submission:

Labcorp Genetics (formerly Invitae), Labcorp
Classification: Uncertain significance. Last evaluated: 2025-10-26. Review status: criteria provided, single submitter. Criteria: Invitae Variant Classification Sherloc (09022015). Collection method: clinical testing. Allele origin: germline.
Comment: This sequence change replaces aspartic acid, which is acidic and polar, with asparagine, which is neutral and polar, at codon 426 of the NUP93 protein (p.Asp426Asn). This variant is present in population databases (rs771500693, gnomAD 0.006%). This variant has not been reported in the literature in individuals affected with NUP93-related conditions. Invitae Evidence Modeling of protein sequence and biophysical properties (such as structural, functional, and spatial information, amino acid conservation, physicochemical variation, residue mobility, and thermodynamic stability) indicates that this missense variant is not expected to disrupt NUP93 protein function with a negative predictive value of 80%. Algorithms developed to predict the effect of sequence changes on RNA splicing suggest that this variant may disrupt the consensus splice site. In summary, the available evidence is currently insufficient to determine the role of this variant in disease. Therefore, it has been classified as a Variant of Uncertain Significance.

NM_014669.5(NUP93):c.1276G>A (p.Asp426Asn)

Gene: NUP93 (nucleoporin 93; plus strand). Cytogenetic location: 16q13.
Variant type: single nucleotide variant.
Coding change: c.1276G>A on transcript NM_014669.5 (MANE Select); coding-DNA position 1276, G replaced by A.
Protein change: p.Asp426Asn; replaces aspartic acid 426 with asparagine.
Molecular consequence: missense variant.
Genome position (GRCh38, 1-based): chr16:56,832,319, G>A. VCF-style: chr16-56832319-G-A. GRCh37 (hg19) VCF-style: chr16-56866231-G-A.
Other names: c.907G>A, p.Asp303Asn (NM_001242795.2, NM_001242796.2); short protein forms D303N, D426N.
Identifiers: ClinVar variation 4749727 (VCV004749727.1).